The following is an entry in ClinVar:

NM_015662.3(IFT172):c.3772G>A (p.Glu1258Lys)

Genes: IFT172 (intraflagellar transport 172; minus strand), LOC126806173 (BRD4-independent group 4 enhancer GRCh37_chr2:27676057-27677256; plus strand). Cytogenetic location: 2p23.3.
Variant type: single nucleotide variant.
Coding change: c.3772G>A on transcript NM_015662.3 (MANE Select); coding-DNA position 3772, G replaced by A.
Protein change: p.Glu1258Lys; replaces glutamic acid 1258 with lysine.
Molecular consequence: missense variant.
Genome position (GRCh38, 1-based): chr2:27,453,679, C>T on the plus strand (G>A on the coding strand, the complement: IFT172 is on the minus strand). VCF-style: chr2-27453679-C-T. GRCh37 (hg19) VCF-style: chr2-27676546-C-T.
Other names: c.3772G>A (NM_015662.2); short protein forms E1258K.
Identifiers: ClinVar variation 1039422 (VCV001039422.12), dbSNP rs529914770, ClinGen allele CA1579865.

ClinVar aggregate classification (germline): Conflicting classifications of pathogenicity. Review status: criteria provided, conflicting classifications (1 of 4 stars). 5 submissions from 5 submitters: Uncertain significance (3); Likely benign (1). 1 of the submissions does not count toward it. Last evaluated 2026-06-01.

Conditions:
Retinal dystrophy. Also called: Inherited retinal dystrophy. Identifiers: Orphanet 71862, MedGen C0854723, MeSH D058499, MONDO:0019118, HP:0000556.
Retinitis pigmentosa 71 (RP71). Identifiers: Orphanet 791, MedGen C4225342, MONDO:0014618, OMIM 616394.
Short-rib thoracic dysplasia 10 with or without polydactyly (SRTD10). Identifiers: Orphanet 474, MedGen C3810175, MONDO:0014284, OMIM 615630.
Bardet-Biedl syndrome 20. Identifiers: MedGen C4310707, MONDO:0023670, OMIM 619471, MONDO:0014926.
IFT172-related disorder. Also called: IFT172-related condition; IFT172-related disorders.

Allele frequency attached by ClinVar (database versions not stated): ExAC 0.00002; TOPMed 0.00005; gnomAD exomes 0.00006; gnomAD 0.00010; 1000 Genomes Project 30x 0.00016; 1000 Genomes Project 0.00020.
gnomAD v4.1: 46 of 1,612,644 alleles (0.0029%); highest among the groups gnomAD compares: Admixed American, 0.035%; no homozygotes.

Submissions (5):

PreventionGenetics, part of Exact Sciences
Classification: Uncertain significance for IFT172-related condition. Last evaluated: 2026-06-01. Review status: criteria provided, single submitter. Criteria: ACMG Guidelines, 2015. Collection method: clinical testing. Allele origin: germline.
Comment: The IFT172 c.3772G>A variant is predicted to result in the amino acid substitution p.Glu1258Lys. To our knowledge, this variant has not been reported in the literature. This variant is reported in 0.038% of alleles in individuals of Latino descent in gnomAD and has conflicting classifications in ClinVar ranging from likely benign to uncertain (Variation ID: 1039422). At this time, the clinical significance of this variant is uncertain due to the absence of conclusive functional and genetic evidence.

Labcorp Genetics (formerly Invitae), Labcorp
Classification: Likely benign for Retinitis pigmentosa 71; Short-rib thoracic dysplasia 10 with or without polydactyly. Last evaluated: 2025-12-11. Review status: criteria provided, single submitter. Criteria: Invitae Variant Classification Sherloc (09022015). Collection method: clinical testing. Allele origin: germline.

Blueprint Genetics
Classification: Uncertain significance. Last evaluated: 2024-06-19. Review status: criteria provided, single submitter. Criteria: ACMG Guidelines, 2015. Collection method: clinical testing. Allele origin: germline.

Fulgent Genetics
Classification: Uncertain significance for Short-rib thoracic dysplasia 10 with or without polydactyly; Retinitis pigmentosa 71; Bardet-Biedl syndrome 20. Last evaluated: 2022-05-02. Review status: criteria provided, single submitter. Criteria: ACMG Guidelines, 2015. Collection method: clinical testing. Allele origin: unknown.

Institute of Human Genetics, Univ. Regensburg, Univ. Regensburg
Classification: Uncertain significance for Retinal dystrophy. Last evaluated: 2022-01-01. Review status: no assertion criteria provided. Criteria: ACMG Guidelines, 2015. Collection method: clinical testing. Allele origin: germline. Affected: yes. Not counted in ClinVar's aggregate classification.